The following is an entry in ClinVar:

ClinVar aggregate classification (germline): Pathogenic. Review status: criteria provided, single submitter (1 of 4 stars). 3 submissions from 2 submitters: Pathogenic (1). 2 of the submissions do not count toward it. Last evaluated 2022-09-02.

Conditions:
Triphalangeal thumb (TPT). Identifiers: MedGen C0241397, HP:0001199.
Polydactyly of a triphalangeal thumb. Also called: Polydactyly, preaxial type II; POLYDACTYLY OF TRIPHALANGEAL THUMB; TRIPHALANGEAL THUMB-POLYDACTYLY SYNDROME. Identifiers: Orphanet 2439, Orphanet 2950, Orphanet 93336, MedGen C1868114, MONDO:0008270, OMIM 174500.

Submissions (3):

Labcorp Genetics (formerly Invitae), Labcorp
Classification: Pathogenic. Last evaluated: 2022-09-02. Review status: criteria provided, single submitter. Criteria: Invitae Variant Classification Sherloc (09022015). Collection method: clinical testing. Allele origin: germline.
Comment: ClinVar contains an entry for this variant (Variation ID: 4902). This variant is also known as 739A>G. This variant has been observed in individuals with clinical features of preaxial polydactyly and triphalangeal thumb (PMID: 10937618, 17152067; Invitae). It has also been observed to segregate with disease in related individuals. This variant is not present in population databases (gnomAD no frequency). This sequence change falls in intron 5 of the LMBR1 gene. It does not directly change the encoded amino acid sequence of the LMBR1 protein. For these reasons, this variant has been classified as Pathogenic.

OMIM
Classification: Pathogenic for POLYDACTYLY, PREAXIAL II. Last evaluated: 2007-01-01. Review status: no assertion criteria provided. Collection method: literature only. Allele origin: germline. Not counted in ClinVar's aggregate classification.

OMIM
Classification: Pathogenic for TRIPHALANGEAL THUMB. Last evaluated: 2007-01-01. Review status: no assertion criteria provided. Collection method: literature only. Allele origin: germline. Not counted in ClinVar's aggregate classification.

Literature cited by the submitters: PubMed 10937618 (cited by Labcorp Genetics (formerly Invitae), Labcorp and OMIM); PubMed 17152067 (cited by Labcorp Genetics (formerly Invitae), Labcorp and OMIM); PubMed 22340503 (cited by OMIM); PubMed 32169219 (cited by OMIM).

NM_022458.4(LMBR1):c.423+5252A>G

Genes: LMBR1 (limb development membrane protein 1; minus strand), ZRS (ZPA regulatory sequence; plus strand). Cytogenetic location: 7q36.3.
Variant type: single nucleotide variant.
Coding change: c.423+5252A>G on transcript NM_022458.4 (MANE Select); 5252 bases into the intron after coding-DNA position 423, A replaced by G.
Molecular consequence: intron variant.
Genome position (GRCh38, 1-based): chr7:156,791,137, T>C on the plus strand (A>G on the coding strand, the complement: LMBR1 is on the minus strand). VCF-style: chr7-156791137-T-C. GRCh37 (hg19) VCF-style: chr7-156583831-T-C.
Other names: 739A-G; c.360+5252A>G (NM_001363412.2); c.144+5252A>G (NM_001350954.2); c.423+5252A>G (NM_001363410.2, NM_001363409.2, NM_001350953.2); c.-112+5252A>G (NM_001350958.2, NM_001350956.2, NM_001350955.2 and 1 more transcripts); c.54+5252A>G (NM_001350957.2, NM_001363411.2).
Identifiers: ClinVar variation 4902 (VCV000004902.10), dbSNP rs606231150, ClinGen allele CA117135.